The following is an entry in ClinVar:

ClinVar aggregate classification (germline): Uncertain significance (1 of 4 stars; one submission).

Submission:

GeneDx
Classification: Uncertain significance. Last evaluated: 2024-11-18. Review status: criteria provided, single submitter. Criteria: GeneDx Variant Classification Process June 2021. Collection method: clinical testing. Allele origin: germline. Affected: yes.
Comment: Not observed at significant frequency in large population cohorts (gnomAD); In silico analysis indicates that this missense variant does not alter protein structure/function; Has not been previously published as pathogenic or benign to our knowledge

NM_001190737.2(NFIB):c.586A>G (p.Ser196Gly)

Gene: NFIB (nuclear factor I B; minus strand). Cytogenetic location: 9p23.
Variant type: single nucleotide variant.
Coding change: c.586A>G on transcript NM_001190737.2 (MANE Select); coding-DNA position 586, A replaced by G.
Protein change: p.Ser196Gly; replaces serine 196 with glycine.
Molecular consequence: missense variant. On other transcripts: 5 prime UTR variant (1), non-coding transcript variant (4), intron variant (1).
Genome position (GRCh38, 1-based): chr9:14,179,757, T>C on the plus strand (A>G on the coding strand, the complement: NFIB is on the minus strand). VCF-style: chr9-14179757-T-C. GRCh37 (hg19) VCF-style: chr9-14179756-T-C.
Other names: c.664A>G, p.Ser222Gly (NM_001190738.2); c.-171A>G (NM_001282787.2); c.652A>G, p.Ser218Gly (NM_001369458.1, NM_001369459.1, NM_001369462.1 and 1 more transcripts); c.574A>G, p.Ser192Gly (NM_001369460.1, NM_001369463.1, NM_001369466.1 and 2 more transcripts); c.586A>G, p.Ser196Gly (NM_001369461.1, NM_001369464.1, NM_001369471.1 and 2 more transcripts); c.559A>G, p.Ser187Gly (NM_001369465.1, NM_001369467.1, NM_001369476.1); c.442A>G, p.Ser148Gly (NM_001369469.1); c.349A>G, p.Ser117Gly (NM_001369470.1, NM_001369478.1); and 4 more; short protein forms S117G, S121G, S148G, S17G, S187G, S191G, S192G, S196G.
Identifiers: ClinVar variation 3899399 (VCV003899399.1).